The following is an entry in ClinVar:

ClinVar aggregate classification (germline): Pathogenic. Review status: criteria provided, multiple submitters, no conflicts (2 of 4 stars). 3 submissions from 3 submitters: Pathogenic (3). Last evaluated 2025-07-01.

Submissions (3):

CeGaT Center for Human Genetics Tuebingen
Classification: Pathogenic. Last evaluated: 2025-07-01. Review status: criteria provided, single submitter. Criteria: CeGaT Center For Human Genetics Tuebingen Variant Classification Criteria Version 2. Collection method: clinical testing. Allele origin: germline. Affected: yes. Observed: 1 variant allele.
Comment: CHD8: PVS1, PM2, PS2:Moderate, PS4:Supporting

Labcorp Genetics (formerly Invitae), Labcorp
Classification: Pathogenic. Last evaluated: 2022-12-02. Review status: criteria provided, single submitter. Criteria: Invitae Variant Classification Sherloc (09022015). Collection method: clinical testing. Allele origin: germline.
Comment: For these reasons, this variant has been classified as Pathogenic. ClinVar contains an entry for this variant (Variation ID: 1216758). This premature translational stop signal has been observed in individual(s) with Autism (PMID: 30564305, 31398340, 31674007, 31981491, 33004838). This variant is not present in population databases (gnomAD no frequency). This sequence change creates a premature translational stop signal (p.Gly1602Valfs*13) in the CHD8 gene. It is expected to result in an absent or disrupted protein product. Loss-of-function variants in CHD8 are known to be pathogenic (PMID: 24998929, 26789910).

GeneDx
Classification: Pathogenic. Last evaluated: 2019-12-23. Review status: criteria provided, single submitter. Criteria: GeneDx Variant Classification Process June 2021. Collection method: clinical testing. Allele origin: germline. Affected: yes.
Comment: Frameshift variant predicted to result in protein truncation or nonsense mediated decay in a gene for which loss-of-function is a known mechanism of disease; Not observed in large population cohorts (Lek et al., 2016); This variant is associated with the following publications: (PMID: 31981491, 31674007, 30564305)

Literature cited by the submitters: PubMed 30564305 (cited by Labcorp Genetics (formerly Invitae), Labcorp); PubMed 31398340 (cited by Labcorp Genetics (formerly Invitae), Labcorp); PubMed 31674007 (cited by Labcorp Genetics (formerly Invitae), Labcorp); PubMed 31981491 (cited by Labcorp Genetics (formerly Invitae), Labcorp); PubMed 33004838 (cited by Labcorp Genetics (formerly Invitae), Labcorp); PubMed 24998929 (cited by Labcorp Genetics (formerly Invitae), Labcorp); PubMed 26789910 (cited by Labcorp Genetics (formerly Invitae), Labcorp).

NM_001170629.2(CHD8):c.4800del (p.Gly1602fs)

Gene: CHD8 (chromodomain helicase DNA binding protein 8; minus strand). Cytogenetic location: 14q11.2.
Variant type: Deletion.
Coding change: c.4800del on transcript NM_001170629.2 (MANE Select); coding-DNA position 4800, one base deleted (A; older notation c.4800delA).
Protein change: p.Gly1602fs; shifts the reading frame from glycine 1602.
Molecular consequence: frameshift variant.
Genome position (GRCh38, 1-based): chr14:21,399,998, T deleted on the plus strand (A on the coding strand, the reverse complement: CHD8 is on the minus strand). VCF-style (leftmost placement, unchanged base first): chr14-21399997-CT-C. GRCh37 (hg19) VCF-style: chr14-21868156-CT-C.
Other names: c.3963del, p.Gly1323fs (NM_020920.4); short protein forms G1323fs, G1602fs.
Identifiers: ClinVar variation 1216758 (VCV001216758.14), dbSNP rs1887960167, ClinGen allele CA2122493473.